The following is an entry in ClinVar:

ClinVar aggregate classification (germline): Conflicting classifications of pathogenicity. Review status: criteria provided, conflicting classifications (1 of 4 stars). 5 submissions from 5 submitters: Uncertain significance (4); Likely benign (1). Last evaluated 2026-06-04.

Conditions:
Inborn genetic diseases. Identifiers: MedGen C0950123, MeSH D030342.
LAMA2-related muscular dystrophy (LAMA2-RD). Also called: Laminin alpha 2-related dystrophy. Identifiers: MedGen C5679788, MONDO:0100228.

Allele frequency attached by ClinVar (database versions not stated): gnomAD 0.00003 and 0.00004; TOPMed 0.00003; ExAC 0.00002.
gnomAD v4.1: 30 of 1,613,914 alleles (0.0019%); highest among the groups gnomAD compares: African/African-American, 0.011%; no homozygotes.

Submissions (5):

Ambry Genetics
Classification: Uncertain significance for Inborn genetic diseases. Last evaluated: 2026-06-04. Review status: criteria provided, single submitter. Criteria: Ambry Variant Classification Scheme 2023. Collection method: clinical testing. Allele origin: germline.

Labcorp Genetics (formerly Invitae), Labcorp
Classification: Likely benign for LAMA2-related muscular dystrophy. Last evaluated: 2026-01-26. Review status: criteria provided, single submitter. Criteria: Invitae Variant Classification Sherloc (09022015). Collection method: clinical testing. Allele origin: germline.

GeneDx
Classification: Uncertain significance. Last evaluated: 2025-04-01. Review status: criteria provided, single submitter. Criteria: GeneDx Variant Classification Process June 2021. Collection method: clinical testing. Allele origin: germline. Affected: yes.
Comment: Not observed at significant frequency in large population cohorts (gnomAD); In silico analysis indicates that this missense variant does not alter protein structure/function; Has not been previously published as pathogenic or benign to our knowledge

Women's Health and Genetics/Laboratory Corporation of America, LabCorp
Classification: Uncertain significance. Last evaluated: 2024-10-16. Review status: criteria provided, single submitter. Criteria: LabCorp Variant Classification Summary - May 2015. Collection method: clinical testing. Allele origin: germline.
Comment: Variant summary: LAMA2 c.3363G>T (p.Glu1121Asp) results in a conservative amino acid change in the encoded protein sequence. Three of four in-silico tools predict a benign effect of the variant on protein function. The variant allele was found at a frequency of 2.4e-05 in 251344 control chromosomes. The available data on variant occurrences in the general population are insufficient to allow any conclusion about variant significance. To our knowledge, no occurrence of c.3363G>T in individuals affected with Laminin Alpha 2-Related Dystrophy and no experimental evidence demonstrating its impact on protein function have been reported. ClinVar contains an entry for this variant (Variation ID: 660285). Based on the evidence outlined above, the variant was classified as uncertain significance.

Revvity Omics, Revvity
Classification: Uncertain significance. Last evaluated: 2024-05-29. Review status: criteria provided, single submitter. Criteria: ACMG Guidelines, 2015. Collection method: clinical testing. Allele origin: germline.

NM_000426.4(LAMA2):c.3363G>T (p.Glu1121Asp)

Gene: LAMA2 (laminin subunit alpha 2; plus strand). Cytogenetic location: 6q22.33.
Variant type: single nucleotide variant.
Coding change: c.3363G>T on transcript NM_000426.4 (MANE Select); coding-DNA position 3363, G replaced by T.
Protein change: p.Glu1121Asp; replaces glutamic acid 1121 with aspartic acid.
Molecular consequence: missense variant.
Genome position (GRCh38, 1-based): chr6:129,313,049, G>T. VCF-style: chr6-129313049-G-T. GRCh37 (hg19) VCF-style: chr6-129634194-G-T.
Other names: c.3363G>T, p.Glu1121Asp (NM_001079823.2); short protein forms E1121D.
Identifiers: ClinVar variation 660285 (VCV000660285.10), dbSNP rs770971338, ClinGen allele CA3993237.